The following is an entry in ClinVar:

ClinVar aggregate classification (germline): Uncertain significance. Review status: criteria provided, multiple submitters, no conflicts (2 of 4 stars). 2 submissions from 2 submitters: Uncertain significance (2). Last evaluated 2023-07-17.

Conditions:
Cardiovascular phenotype. Identifiers: MedGen CN230736.
Brugada syndrome. Also called: Sudden unexpected nocturnal death syndrome; Sudden Unexplained Death Syndrome; Sudden Unexplained Nocturnal Death Syndrome (SUNDS); Sudden unexplained nocturnal death syndrome. Identifiers: Orphanet 130, MedGen C1142166, MONDO:0015263.

Submissions (2):

Ambry Genetics
Classification: Uncertain significance for Cardiovascular phenotype. Last evaluated: 2023-07-17. Review status: criteria provided, single submitter. Criteria: Ambry Variant Classification Scheme 2023. Collection method: clinical testing. Allele origin: germline.
Comment: The p.R762S variant (also known as c.2284C>A), located in coding exon 15 of the SCN10A gene, results from a C to A substitution at nucleotide position 2284. The arginine at codon 762 is replaced by serine, an amino acid with dissimilar properties. This amino acid position is conserved. In addition, this alteration is predicted to be deleterious by in silico analysis. Since supporting evidence is limited at this time, the clinical significance of this alteration remains unclear.

Labcorp Genetics (formerly Invitae), Labcorp
Classification: Uncertain significance for Brugada syndrome. Last evaluated: 2022-09-27. Review status: criteria provided, single submitter. Criteria: Invitae Variant Classification Sherloc (09022015). Collection method: clinical testing. Allele origin: germline.
Comment: This sequence change replaces arginine, which is basic and polar, with serine, which is neutral and polar, at codon 762 of the SCN10A protein (p.Arg762Ser). This variant is not present in population databases (gnomAD no frequency). This variant has not been reported in the literature in individuals affected with SCN10A-related conditions. ClinVar contains an entry for this variant (Variation ID: 1415408). Advanced modeling of protein sequence and biophysical properties (such as structural, functional, and spatial information, amino acid conservation, physicochemical variation, residue mobility, and thermodynamic stability) performed at Invitae indicates that this missense variant is expected to disrupt SCN10A protein function. In summary, the available evidence is currently insufficient to determine the role of this variant in disease. Therefore, it has been classified as a Variant of Uncertain Significance.

NM_006514.4(SCN10A):c.2284C>A (p.Arg762Ser)

Gene: SCN10A (sodium voltage-gated channel alpha subunit 10; minus strand). Cytogenetic location: 3p22.2.
Variant type: single nucleotide variant.
Coding change: c.2284C>A on transcript NM_006514.4 (MANE Select); coding-DNA position 2284, C replaced by A.
Protein change: p.Arg762Ser; replaces arginine 762 with serine.
Molecular consequence: missense variant.
Genome position (GRCh38, 1-based): chr3:38,728,898, G>T on the plus strand (C>A on the coding strand, the complement: SCN10A is on the minus strand). VCF-style: chr3-38728898-G-T. GRCh37 (hg19) VCF-style: chr3-38770389-G-T.
Other names: c.2284C>A, p.Arg762Ser (NM_001293306.2); c.1990C>A, p.Arg664Ser (NM_001293307.2); c.2284C>A (NM_006514.2); short protein forms R762S, R664S.
Identifiers: ClinVar variation 1415408 (VCV001415408.6), dbSNP rs577819850, ClinGen allele CA72962199.
Genomic context (GRCh38, chr3:38,728,898, plus strand): 5'-TTCCGATGATCTTGATGAGTGTGTTTAAGGTGGGCCAGGATTTGGCCAGCTTGAATACGC[G>T]CAGCTGCAGAGAAACAGAGACCGTCAGGTTTTGGTAGCTGTGCTCATTACCTTTCATCTA-3'
Protein context (NP_006505.4, residues 752-772): LSVLRSFRLL[Arg762Ser]VFKLAKSWPT